The following is an entry in ClinVar:

NM_001374736.1(DST):c.692G>A (p.Arg231Gln)

Gene: DST (dystonin; minus strand). Cytogenetic location: 6p12.1.
Variant type: single nucleotide variant.
Coding change: c.692G>A on transcript NM_001374736.1 (MANE Select); coding-DNA position 692, G replaced by A.
Protein change: p.Arg231Gln; replaces arginine 231 with glutamine.
Molecular consequence: missense variant.
Genome position (GRCh38, 1-based): chr6:56,704,365, C>T on the plus strand (G>A on the coding strand, the complement: DST is on the minus strand). VCF-style: chr6-56704365-C-T. GRCh37 (hg19) VCF-style: chr6-56569163-C-T.
Other names: c.692G>A, p.Arg231Gln (NM_001144769.5, NM_001374722.1); c.278G>A, p.Arg93Gln (NM_001144770.2); c.158G>A, p.Arg53Gln (NM_001374729.1, NM_001374730.1, NM_001386100.1 and 1 more transcripts); c.719G>A, p.Arg240Gln (NM_001374734.1); short protein forms R53Q, R93Q, R231Q, R240Q.
Identifiers: ClinVar variation 1756205 (VCV001756205.2), dbSNP rs371964498, ClinGen allele CA3871865.

ClinVar aggregate classification (germline): Uncertain significance (1 of 4 stars; one submission).

Conditions:
Inborn genetic diseases. Identifiers: MedGen C0950123, MeSH D030342.

Allele frequency attached by ClinVar (database versions not stated): gnomAD exomes 0.00002; ESP Exome Variant Server 0.00009; ExAC 0.00015; gnomAD 0.00015; TOPMed 0.00015.
gnomAD v4.1: 48 of 1,547,240 alleles (0.0031%); highest among the groups gnomAD compares: African/African-American, 0.048%; no homozygotes.

Submission:

Ambry Genetics
Classification: Uncertain significance for Inborn genetic diseases. Last evaluated: 2021-04-02. Review status: criteria provided, single submitter. Criteria: Ambry Variant Classification Scheme 2023. Collection method: clinical testing. Allele origin: germline.
Comment: The p.R231Q variant (also known as c.692G>A), located in coding exon 6 of the DST gene, results from a G to A substitution at nucleotide position 692. The arginine at codon 231 is replaced by glutamine, an amino acid with highly similar properties. This amino acid position is highly conserved in available vertebrate species. In addition, this alteration is predicted to be deleterious by in silico analysis. Since supporting evidence is limited at this time, the clinical significance of this alteration remains unclear.